The following is an entry in ClinVar:

NM_004996.4(ABCC1):c.810G>A (p.Lys270=)

Gene: ABCC1 (ATP binding cassette subfamily C member 1 (ABCC1 blood group); plus strand). Cytogenetic location: 16p13.11.
Variant type: single nucleotide variant.
Coding change: c.810G>A on transcript NM_004996.4 (MANE Select); coding-DNA position 810, G replaced by A.
Protein change: p.Lys270=; no amino-acid change (lysine 270 retained).
Molecular consequence: synonymous variant.
Genome position (GRCh38, 1-based): chr16:16,044,450, G>A. VCF-style: chr16-16044450-G-A. GRCh37 (hg19) VCF-style: chr16-16138307-G-A.
Other names: c.810G>A, p.Lys270= (NM_019862.3).
Identifiers: ClinVar variation 3771107 (VCV003771107.13).
Genomic context (GRCh38, chr16:16,044,450, plus strand): 5'-TGTGGTAGGGGGCTGCATCTCTGGCAGACCCCACAACGGCTTCACCTCCTTGTGTTCCAG[G>A]CAGCCGGTGAAGGTTGTGTACTCCTCCAAGGATCCTGCCCAGCCGAAAGAGAGTTCCAAG-3'
Protein context (NP_004987.2, residues 260-280): NWKKECAKTR[Lys270=]QPVKVVYSSK

ClinVar aggregate classification (germline): Likely benign (1 of 4 stars; one submission).

gnomAD v4.1: 34 of 1,613,522 alleles (0.0021%); highest among the groups gnomAD compares: Middle Eastern, 0.017%; no homozygotes.

Submission:

CeGaT Center for Human Genetics Tuebingen
Classification: Likely benign. Last evaluated: 2025-02-01. Review status: criteria provided, single submitter. Criteria: CeGaT Center For Human Genetics Tuebingen Variant Classification Criteria Version 2. Collection method: clinical testing. Allele origin: germline. Affected: yes. Observed: 1 variant allele.
Comment: ABCC1: BP4, BP7